The following is an entry in ClinVar:

ClinVar aggregate classification (germline): Benign. Review status: criteria provided, single submitter (1 of 4 stars). 2 submissions from 2 submitters: Benign (1). 1 of the submissions does not count toward it. Last evaluated 2025-06-13.

Conditions:
ITSN2-related disorder. Also called: ITSN2-related condition.

Allele frequency attached by ClinVar (database versions not stated): gnomAD 0.00015; 1000 Genomes Project 30x 0.00109; ExAC 0.00085; TOPMed 0.00007; gnomAD exomes 0.00037; 1000 Genomes Project 0.00100.
gnomAD v4.1: 558 of 1,593,634 alleles (0.035%); highest among the groups gnomAD compares: South Asian, 0.57%; 6 homozygotes.

Submissions (2):

Labcorp Genetics (formerly Invitae), Labcorp
Classification: Benign. Last evaluated: 2025-06-13. Review status: criteria provided, single submitter. Criteria: Invitae Variant Classification Sherloc (09022015). Collection method: clinical testing. Allele origin: germline.

PreventionGenetics, part of Exact Sciences
Classification: Likely benign for ITSN2-related condition. Last evaluated: 2024-01-26. Review status: no assertion criteria provided. Collection method: clinical testing. Allele origin: germline. Not counted in ClinVar's aggregate classification.
Comment: This variant is classified as likely benign based on ACMG/AMP sequence variant interpretation guidelines (Richards et al. 2015 PMID: 25741868, with internal and published modifications).

NM_006277.3(ITSN2):c.1494+6G>A

Gene: ITSN2 (intersectin 2; minus strand). Cytogenetic location: 2p23.3.
Variant type: single nucleotide variant.
Coding change: c.1494+6G>A on transcript NM_006277.3 (MANE Select); 6 bases into the intron after coding-DNA position 1494, G replaced by A.
Molecular consequence: intron variant.
Genome position (GRCh38, 1-based): chr2:24,298,659, C>T on the plus strand (G>A on the coding strand, the complement: ITSN2 is on the minus strand). VCF-style: chr2-24298659-C-T. GRCh37 (hg19) VCF-style: chr2-24521528-C-T.
Other names: c.1494+6G>A (NM_001348182.2, NM_019595.4, NM_147152.3 and 3 more transcripts); c.1452+6G>A (NM_001348181.2, NM_001348184.2).
Identifiers: ClinVar variation 3049644 (VCV003049644.4), dbSNP rs551053230, ClinGen allele CA1551469.